The following is an entry in ClinVar:

NM_206933.4(USH2A):c.6579C>G (p.Ile2193Met)

Gene: USH2A (usherin; minus strand). Cytogenetic location: 1q41.
Variant type: single nucleotide variant.
Coding change: c.6579C>G on transcript NM_206933.4 (MANE Select); coding-DNA position 6579, C replaced by G.
Protein change: p.Ile2193Met; replaces isoleucine 2193 with methionine.
Molecular consequence: missense variant.
Genome position (GRCh38, 1-based): chr1:215,998,965, G>C on the plus strand (C>G on the coding strand, the complement: USH2A is on the minus strand). VCF-style: chr1-215998965-G-C. GRCh37 (hg19) VCF-style: chr1-216172307-G-C.
Other names: c.6579C>G (NM_206933.2); short protein forms I2193M.
Identifiers: ClinVar variation 2169107 (VCV002169107.3), dbSNP rs765566223, ClinGen allele CA1395102.

ClinVar aggregate classification (germline): Uncertain significance. Review status: criteria provided, multiple submitters, no conflicts (2 of 4 stars). 2 submissions from 2 submitters: Uncertain significance (2). Last evaluated 2025-08-21.

Conditions:
Inborn genetic diseases. Identifiers: MedGen C0950123, MeSH D030342.

Allele frequency attached by ClinVar (database versions not stated): TOPMed 0.00001.
gnomAD v4.1: 5 of 1,612,996 alleles (0.00031%); highest among the groups gnomAD compares: Admixed American, 0.0067%; no homozygotes.

Submissions (2):

Ambry Genetics
Classification: Uncertain significance for Inborn genetic diseases. Last evaluated: 2025-08-21. Review status: criteria provided, single submitter. Criteria: Ambry Variant Classification Scheme 2023. Collection method: clinical testing. Allele origin: germline.

Labcorp Genetics (formerly Invitae), Labcorp
Classification: Uncertain significance. Last evaluated: 2024-10-25. Review status: criteria provided, single submitter. Criteria: Invitae Variant Classification Sherloc (09022015). Collection method: clinical testing. Allele origin: germline.
Comment: This sequence change replaces isoleucine, which is neutral and non-polar, with methionine, which is neutral and non-polar, at codon 2193 of the USH2A protein (p.Ile2193Met). This variant is present in population databases (rs765566223, gnomAD 0.01%). This variant has not been reported in the literature in individuals affected with USH2A-related conditions. ClinVar contains an entry for this variant (Variation ID: 2169107). Invitae Evidence Modeling of protein sequence and biophysical properties (such as structural, functional, and spatial information, amino acid conservation, physicochemical variation, residue mobility, and thermodynamic stability) indicates that this missense variant is not expected to disrupt USH2A protein function with a negative predictive value of 95%. In summary, the available evidence is currently insufficient to determine the role of this variant in disease. Therefore, it has been classified as a Variant of Uncertain Significance.